The following is an entry in ClinVar:

ClinVar aggregate classification (germline): Uncertain significance. Review status: criteria provided, multiple submitters, no conflicts (2 of 4 stars). 2 submissions from 2 submitters: Uncertain significance (2). Last evaluated 2025-06-17.

Allele frequency attached by ClinVar (database versions not stated): gnomAD exomes 0.00001 and 0.00002; ExAC 0.00002; gnomAD 0.00007 and 0.00008; ESP Exome Variant Server 0.00008; TOPMed 0.00008.
gnomAD v4.1: 24 of 1,611,214 alleles (0.0015%); highest among the groups gnomAD compares: African/African-American, 0.032%; no homozygotes.

Submissions (2):

Ambry Genetics
Classification: Uncertain significance. Last evaluated: 2025-06-17. Review status: criteria provided, single submitter. Criteria: Ambry Variant Classification Scheme 2023. Collection method: clinical testing. Allele origin: germline.

Labcorp Genetics (formerly Invitae), Labcorp
Classification: Uncertain significance. Last evaluated: 2023-11-12. Review status: criteria provided, single submitter. Criteria: Invitae Variant Classification Sherloc (09022015). Collection method: clinical testing. Allele origin: germline.
Comment: This sequence change replaces alanine, which is neutral and non-polar, with valine, which is neutral and non-polar, at codon 935 of the ROR1 protein (p.Ala935Val). This variant is present in population databases (rs374252401, gnomAD 0.03%). This variant has not been reported in the literature in individuals affected with ROR1-related conditions. ClinVar contains an entry for this variant (Variation ID: 1489367). An algorithm developed to predict the effect of missense changes on protein structure and function (PolyPhen-2) suggests that this variant is likely to be disruptive. In summary, the available evidence is currently insufficient to determine the role of this variant in disease. Therefore, it has been classified as a Variant of Uncertain Significance.

NM_005012.4(ROR1):c.2804C>T (p.Ala935Val)

Gene: ROR1 (receptor tyrosine kinase like orphan receptor 1; plus strand). Cytogenetic location: 1p31.3.
Variant type: single nucleotide variant.
Coding change: c.2804C>T on transcript NM_005012.4 (MANE Select); coding-DNA position 2804, C replaced by T.
Protein change: p.Ala935Val; replaces alanine 935 with valine.
Molecular consequence: missense variant.
Genome position (GRCh38, 1-based): chr1:64,178,845, C>T. VCF-style: chr1-64178845-C-T. GRCh37 (hg19) VCF-style: chr1-64644528-C-T.
Other names: c.2804C>T (NM_005012.2); short protein forms A935V.
Identifiers: ClinVar variation 1489367 (VCV001489367.7), dbSNP rs374252401, ClinGen allele CA890478.
Genomic context (GRCh38, chr1:64,178,845, plus strand): 5'-AGCAAGCATCTTTACTAGGAGACGCCAATATTCATGGACACACCGAATCTATGATTTCTG[C>T]AGAACTGTAAAATGCACAACTTTTGTAAATGTGGTATACAGGACAAACTAGACGGCCGTA-3'
Protein context (NP_005003.2, residues 925-937): IHGHTESMIS[Ala935Val]EL